The following is an entry in ClinVar:

ClinVar aggregate classification (germline): Conflicting classifications of pathogenicity. Review status: criteria provided, conflicting classifications (1 of 4 stars). 2 submissions from 2 submitters: Uncertain significance (1); Benign (1). Last evaluated 2025-05-05.

Conditions:
Duchenne muscular dystrophy (DMD). Also called: MUSCULAR DYSTROPHY, PSEUDOHYPERTROPHIC PROGRESSIVE, DUCHENNE TYPE; Duchenne Muscular Dystrophy (DMD). Identifiers: Orphanet 98896, MedGen C0013264, MONDO:0010679, OMIM 310200.
Cardiovascular phenotype. Identifiers: MedGen CN230736.

Allele frequency attached by ClinVar (database versions not stated): ExAC 0.00001; gnomAD 0.00001; gnomAD exomes 0.00001; TOPMed 0.00003.
gnomAD v4.1: 30 of 1,208,679 alleles (0.0025%); highest among the groups gnomAD compares: East Asian, 0.0059%; no homozygotes.

Submissions (2):

Labcorp Genetics (formerly Invitae), Labcorp
Classification: Benign for Duchenne muscular dystrophy. Last evaluated: 2025-05-05. Review status: criteria provided, single submitter. Criteria: Invitae Variant Classification Sherloc (09022015). Collection method: clinical testing. Allele origin: germline.

Ambry Genetics
Classification: Uncertain significance for Cardiovascular phenotype. Last evaluated: 2022-11-01. Review status: criteria provided, single submitter. Criteria: Ambry Variant Classification Scheme 2023. Collection method: clinical testing. Allele origin: germline.
Comment: The p.V2963M variant (also known as c.8887G>A), located in coding exon 59 of the DMD gene, results from a G to A substitution at nucleotide position 8887. The valine at codon 2963 is replaced by methionine, an amino acid with highly similar properties. Based on data from gnomAD, the A allele has an overall frequency of <0.01% (2/180154) total alleles studied, with 0 hemizygote(s) observed. The highest observed frequency was <0.01% (1/13739) of East Asian alleles. This amino acid position is highly conserved in available vertebrate species. In addition, the in silico prediction for this alteration is inconclusive. Since supporting evidence is limited at this time, the clinical significance of this alteration remains unclear.

NM_004006.3(DMD):c.8887G>A (p.Val2963Met)

Gene: DMD (dystrophin; minus strand). Cytogenetic location: Xp21.2.
Variant type: single nucleotide variant.
Coding change: c.8887G>A on transcript NM_004006.3 (MANE Select); coding-DNA position 8887, G replaced by A.
Protein change: p.Val2963Met; replaces valine 2963 with methionine.
Molecular consequence: missense variant.
Genome position (GRCh38, 1-based): chrX:31,478,156, C>T on the plus strand (G>A on the coding strand, the complement: DMD is on the minus strand). VCF-style: chrX-31478156-C-T. GRCh37 (hg19) VCF-style: chrX-31496273-C-T.
Other names: c.8887G>A (NM_004006.2); c.8863G>A, p.Val2955Met (NM_000109.4); c.8875G>A, p.Val2959Met (NM_004009.3); c.8518G>A, p.Val2840Met (NM_004010.3); c.4864G>A, p.Val1622Met (NM_004011.4); c.4855G>A, p.Val1619Met (NM_004012.4); c.1507G>A, p.Val503Met (NM_004013.3, NM_004020.4, NM_004021.3 and 2 more transcripts); c.700G>A, p.Val234Met (NM_004014.3); short protein forms V2955M, V1622M, V503M, V1619M, V2959M, V2963M, V234M, V2840M.
Identifiers: ClinVar variation 1424874 (VCV001424874.9), dbSNP rs756567967, ClinGen allele CA10377971.